The following is an entry in ClinVar:

ClinVar aggregate classification (germline): Uncertain significance. Review status: criteria provided, multiple submitters, no conflicts (2 of 4 stars). 3 submissions from 3 submitters: Uncertain significance (3). Last evaluated 2025-05-22.

Conditions:
Autosomal recessive ataxia, Beauce type. Also called: Spinocerebellar ataxia, autosomal recessive 8; ATAXIA, RECESSIVE, OF BEAUCE; SYNE1 Deficiency; SYNE1-Related Autosomal Recessive Cerebellar Ataxia. Identifiers: Orphanet 88644, MedGen C1853116, MONDO:0012549, OMIM 610743.
Emery-Dreifuss muscular dystrophy 4, autosomal dominant (EDMD4). Also called: EMERY-DREIFUSS MUSCULAR DYSTROPHY 4 WITH VARIABLE FEATURES. Identifiers: Orphanet 261, MedGen C2751807, MONDO:0013071, OMIM 612998.

Allele frequency attached by ClinVar (database versions not stated): gnomAD 0.00001 and 0.00003; gnomAD exomes 0.00001 and 0.00004; TOPMed 0.00002; ExAC 0.00003; 1000 Genomes Project 30x 0.00016; 1000 Genomes Project 0.00020.
gnomAD v4.1: 17 of 1,613,634 alleles (0.0011%); highest among the groups gnomAD compares: East Asian, 0.036%; no homozygotes.

Submissions (3):

Revvity Omics, Revvity
Classification: Uncertain significance. Last evaluated: 2025-05-22. Review status: criteria provided, single submitter. Criteria: ACMG Guidelines, 2015. Collection method: clinical testing. Allele origin: germline.

Labcorp Genetics (formerly Invitae), Labcorp
Classification: Uncertain significance for Emery-Dreifuss muscular dystrophy 4, autosomal dominant; Autosomal recessive ataxia, Beauce type. Last evaluated: 2022-07-20. Review status: criteria provided, single submitter. Criteria: Invitae Variant Classification Sherloc (09022015). Collection method: clinical testing. Allele origin: germline.
Comment: This variant has not been reported in the literature in individuals affected with SYNE1-related conditions. This sequence change replaces glutamine, which is neutral and polar, with arginine, which is basic and polar, at codon 8498 of the SYNE1 protein (p.Gln8498Arg). This variant is present in population databases (rs529921934, gnomAD 0.05%). ClinVar contains an entry for this variant (Variation ID: 286199). Algorithms developed to predict the effect of missense changes on protein structure and function are either unavailable or do not agree on the potential impact of this missense change (SIFT: "Deleterious"; PolyPhen-2: "Probably Damaging"; Align-GVGD: "Class C0"). In summary, the available evidence is currently insufficient to determine the role of this variant in disease. Therefore, it has been classified as a Variant of Uncertain Significance.

Eurofins Ntd Llc (ga)
Classification: Uncertain significance. Last evaluated: 2016-02-23. Review status: criteria provided, single submitter. Criteria: EGL Classification Definitions 2015. Collection method: clinical testing. Allele origin: germline. Observed: 1 variant allele, 1 heterozygote.

NM_182961.4(SYNE1):c.25637A>G (p.Gln8546Arg)

Gene: SYNE1 (spectrin repeat containing nuclear envelope protein 1; minus strand). Cytogenetic location: 6q25.2.
Variant type: single nucleotide variant.
Coding change: c.25637A>G on transcript NM_182961.4 (MANE Select); coding-DNA position 25637, A replaced by G.
Protein change: p.Gln8546Arg; replaces glutamine 8546 with arginine.
Molecular consequence: missense variant.
Genome position (GRCh38, 1-based): chr6:152,136,640, T>C on the plus strand (A>G on the coding strand, the complement: SYNE1 is on the minus strand). VCF-style: chr6-152136640-T-C. GRCh37 (hg19) VCF-style: chr6-152457775-T-C.
Other names: c.2243A>G, p.Gln748Arg (NM_001347701.2); c.2171A>G, p.Gln724Arg (NM_001347702.2); c.25493A>G, p.Gln8498Arg (NM_033071.5); short protein forms Q8498R, Q8546R, Q724R, Q748R.
Identifiers: ClinVar variation 286199 (VCV000286199.14), dbSNP rs529921934, ClinGen allele CA4052780.